The following is an entry in ClinVar:

ClinVar aggregate classification (germline): Uncertain significance (1 of 4 stars; one submission).

Conditions:
Cardiovascular phenotype. Identifiers: MedGen CN230736.

Submission:

Ambry Genetics
Classification: Uncertain significance for Cardiovascular phenotype. Last evaluated: 2026-09-11. Review status: criteria provided, single submitter. Criteria: Ambry Variant Classification Scheme 2023. Collection method: clinical testing. Allele origin: germline.
Comment: The p.G195R variant (also known as c.583G>C), located in coding exon 3 of the CBL gene, results from a G to C substitution at nucleotide position 583. The glycine at codon 195 is replaced by arginine, an amino acid with dissimilar properties. This amino acid position is conserved. In addition, this alteration is predicted to be deleterious by in silico analysis. Based on the available evidence, the clinical significance of this variant remains unclear.

NM_005188.4(CBL):c.583G>C (p.Gly195Arg)

Gene: CBL (Cbl proto-oncogene; plus strand). Cytogenetic location: 11q23.3.
Variant type: single nucleotide variant.
Coding change: c.583G>C on transcript NM_005188.4 (MANE Select); coding-DNA position 583, G replaced by C.
Protein change: p.Gly195Arg; replaces glycine 195 with arginine.
Molecular consequence: missense variant.
Genome position (GRCh38, 1-based): chr11:119,271,874, G>C. VCF-style: chr11-119271874-G-C. GRCh37 (hg19) VCF-style: chr11-119142584-G-C.
Other names: short protein forms G195R.
Identifiers: ClinVar variation 5033778 (VCV005033778.1).